The following is an entry in ClinVar:

NM_000138.5(FBN1):c.8443C>T (p.Leu2815Phe)

Gene: FBN1 (fibrillin 1; minus strand). Cytogenetic location: 15q21.1.
Variant type: single nucleotide variant.
Coding change: c.8443C>T on transcript NM_000138.5 (MANE Select); coding-DNA position 8443, C replaced by T.
Protein change: p.Leu2815Phe; replaces leucine 2815 with phenylalanine.
Molecular consequence: missense variant.
Genome position (GRCh38, 1-based): chr15:48,411,163, G>A on the plus strand (C>T on the coding strand, the complement: FBN1 is on the minus strand). VCF-style: chr15-48411163-G-A. GRCh37 (hg19) VCF-style: chr15-48703360-G-A.
Other names: c.8443C>T, p.Leu2815Phe (NM_001406716.1); short protein forms L2815F.
Identifiers: ClinVar variation 3386742 (VCV003386742.1).
Genomic context (GRCh38, chr15:48,411,163, plus strand): 5'-GAGTACTACTGATTTGTAATGAATAGGTTCCAGCCACTGGCTTCTTCTTTGTGAAGTGGA[G>A]GTAGCTGATCCCTTCCTTTTGGTTGATTTTAAAGAAGCCATCTTCATTTCCAGATTCGAT-3'
Protein context (NP_000129.3, residues 2805-2825): KINQKEGISY[Leu2815Phe]HFTKKKPVAG

ClinVar aggregate classification (germline): Uncertain significance (1 of 4 stars; one submission).

Conditions:
Marfan syndrome (MFS). Also called: MARFAN SYNDROME, TYPE I; Marfan syndrome type 1; Marfan's syndrome; FBN1-Related Marfan Syndrome; Marfan syndrome, classic. Identifiers: Orphanet 284963, Orphanet 558, MedGen C0024796, MONDO:0007947, OMIM 154700.

Submission:

All of Us Research Program, National Institutes of Health
Classification: Uncertain significance for Marfan syndrome. Last evaluated: 2024-03-24. Review status: criteria provided, single submitter. Criteria: ACMG Guidelines, 2015. Collection method: clinical testing. Allele origin: germline. Inheritance: Autosomal dominant inheritance. Observed: 1 variant allele, 1 heterozygote.
Comment: This missense variant replaces leucine with phenylalanine at codon 2815 of the FBN1 protein. Computational prediction suggests that this variant may have deleterious impact on protein structure and function (internally defined REVEL score threshold >= 0.7, PMID: 27666373). To our knowledge, functional studies have not been reported for this variant. This variant has not been reported in individuals affected with FBN1-related disorders in the literature. This variant has not been identified in the general population by the Genome Aggregation Database (gnomAD). The available evidence is insufficient to determine the role of this variant in disease conclusively. Therefore, this variant is classified as a Variant of Uncertain Significance.

This study involves interpretation of variants in research participants for the purpose of population health screening. Participant phenotype was not available at the time of variant classification. Additional details can be found in publication PMID: 35346344, PMCID: PMC8962531